The following is an entry in ClinVar:

NM_000155.4(GALT):c.905-1G>A

Gene: GALT (galactose-1-phosphate uridylyltransferase; plus strand). Cytogenetic location: 9p13.3.
Variant type: single nucleotide variant.
Coding change: c.905-1G>A on transcript NM_000155.4 (MANE Select); the canonical splice acceptor site of the intron before coding-DNA position 905, G replaced by A.
Molecular consequence: splice acceptor variant.
Genome position (GRCh38, 1-based): chr9:34,649,409, G>A. VCF-style: chr9-34649409-G-A. GRCh37 (hg19) VCF-style: chr9-34649406-G-A.
Other names: c.905-1G>A (NM_000155.3); c.578-1G>A (NM_001258332.2).
Identifiers: ClinVar variation 193560 (VCV000193560.6), dbSNP rs794726971, ClinGen allele CA274928.
Genomic context (GRCh38, chr9:34,649,409, plus strand): 5'-TGCTAACCTGGATAACTGTAAAAGGGCTCTCTCTCCCCACTGTCTCTCTTCTTTCTGTCA[G>A]GGGCTCCCACAGGATCAGAGGCTGGGGCCAACTGGAACCATTGGCAGCTGCACGCTCATT-3'

ClinVar aggregate classification (germline): Pathogenic/Likely pathogenic. Review status: criteria provided, multiple submitters, no conflicts (2 of 4 stars). 2 submissions from 2 submitters: Pathogenic (1); Likely pathogenic (1). Last evaluated 2024-05-21.

Conditions:
Galactosemia. Also called: Galactose intolerance. Identifiers: Orphanet 352, MedGen C0016952, MONDO:0018116, HP:0004919. Disease mechanism: loss of function.

Submissions (2):

Natera, Inc.
Classification: Likely pathogenic for Galactosemia. Last evaluated: 2024-05-21. Review status: criteria provided, single submitter. Criteria: Natera Variant Classification Schema (03/2026). Collection method: clinical testing. Allele origin: germline.
Comment: The c.905-1G>A variant in GALT is a canonical splice acceptor site variant predicted to affect pre-mRNA splicing, which may result in an abnormal transcript and altered protein product. This variant is expected to result in nonsense mediated decay, truncation, or a dysfunctional protein product. This variant is rare in the general population with a frequency below the threshold expected for the associated phenotype(s). Given the available evidence, this variant is classified as Likely Pathogenic.

Eurofins Ntd Llc (ga)
Classification: Pathogenic. Last evaluated: 2015-03-16. Review status: criteria provided, single submitter. Criteria: EGL Classification Definitions 2015. Collection method: clinical testing. Allele origin: germline. Observed: 1 variant allele, 1 heterozygote.